The following is an entry in ClinVar:

ClinVar aggregate classification (germline): Pathogenic. Review status: criteria provided, multiple submitters, no conflicts (2 of 4 stars). 12 submissions from 12 submitters: Pathogenic (9). 3 of the submissions do not count toward it. Last evaluated 2025-09-08.

Conditions:
Hereditary cancer-predisposing syndrome. Also called: Hereditary Cancer Syndrome; Hereditary neoplastic syndrome; Neoplastic Syndromes, Hereditary; Tumor predisposition. Identifiers: Orphanet 140162, MedGen C0027672, MeSH D009386, MONDO:0015356.
Hereditary breast ovarian cancer syndrome. Also called: BRCA1- and BRCA2-Associated Hereditary Breast and Ovarian Cancer; Hereditary breast and ovarian cancer syndrome; Hereditary breast and ovarian cancer syndrome (HBOC); Breast and ovarian cancer; Hereditary breast and/or ovarian cancer syndrome; Hereditary breast and ovarian cancer. Identifiers: Orphanet 145, MedGen C0677776, MeSH D061325, MONDO:0003582. Disease mechanism: loss of function.
Breast-ovarian cancer, familial, susceptibility to, 1 (BROVCA1). Also called: BRCA1 Hereditary Breast and Ovarian Cancer; OVARIAN CANCER, SUSCEPTIBILITY TO. Identifiers: Orphanet 145, MedGen C2676676, MONDO:0011450, OMIM 604370. Disease mechanism: loss of function.

Allele frequency attached by ClinVar (database versions not stated): gnomAD exomes below 0.00001.

Submissions (12):

Ambry Genetics
Classification: Pathogenic for Hereditary cancer-predisposing syndrome. Last evaluated: 2025-09-08. Review status: criteria provided, single submitter. Criteria: Ambry Variant Classification Scheme 2023. Collection method: clinical testing. Allele origin: germline.
Comment: The c.5193+2delT intronic pathogenic mutation results from a deletion of one nucleotide at the +2 position downstream of coding exon 17 of the BRCA1 gene. Also designated as IVS19+2delT in published literature, this alteration has been previously identified in hereditary breast and/or ovarian cancer cohorts (Gayther SA et al. Nat. Genet. 1995 Dec;11(4):428-33; Wagner T et al. Genomics 1999 Dec; 62(3):369-76; Cast&eacute;ra L et al. Eur. J. Hum. Genet. 2014 Nov;22(11):1305-13). RNA studies have demonstrated that this alteration results in abnormal splicing in the set of samples tested (Ambry internal data; Houdayer C et al. Hum. Mutat. 2012 Aug;33(8):1228-38; Claes K et al. Genes Chromosomes Cancer 2003 Jul;37(3):314-20). This variant is considered to be rare based on population cohorts in the Genome Aggregation Database (gnomAD). In silico splice site analysis predicts that this alteration will weaken the native splice donor site. In addition to the clinical data presented in the literature, alterations that disrupt the canonical splice site are expected to cause aberrant splicing, resulting in an abnormal protein or a transcript that is subject to nonsense-mediated mRNA decay. As such, this alteration is classified as a disease-causing mutation.

Quest Diagnostics Nichols Institute San Juan Capistrano
Classification: Pathogenic. Last evaluated: 2025-08-14. Review status: criteria provided, single submitter. Criteria: Quest Diagnostics criteria. Collection method: clinical testing. Allele origin: unknown.
Comment: The BRCA1 c.5193+2del variant disrupts a canonical splice-donor site and interferes with normal BRCA1 mRNA splicing (PMID: 12759930 (2003), 22505045 (2012)). This variant has been reported in the published literature in individuals/families affected with breast and/or ovarian cancer (PMID: 7493024 (1995), 10644434 (1999), 12759930 (2003), 24549055 (2014), 33302456 (2020)), as well as colorectal cancer (PMID: 12759930 (2003)). This variant has not been reported in large, multi-ethnic general populations (Genome Aggregation Database). Based on the available information, this variant is classified as pathogenic.

Labcorp Genetics (formerly Invitae), Labcorp
Classification: Pathogenic for Hereditary breast ovarian cancer syndrome. Last evaluated: 2025-08-01. Review status: criteria provided, single submitter. Criteria: Invitae Variant Classification Sherloc (09022015). Collection method: clinical testing. Allele origin: germline.
Comment: This sequence change affects a splice site in intron 18 of the BRCA1 gene. RNA analysis indicates that disruption of this splice site induces altered splicing and may result in an absent or altered protein product. This variant is not present in population databases (gnomAD no frequency). Disruption of this splice site has been observed in individual(s) with BRCA1-related conditions (PMID: 7493024, 10644434, 12759930, 24549055). This variant is also known as 5312+2delT and IVS19+2delT. ClinVar contains an entry for this variant (Variation ID: 55450). Studies have shown that disruption of this splice site results in skipping of exon 18, and produces a non-functional protein and/or introduces a premature termination codon (PMID: 22505045; internal data). For these reasons, this variant has been classified as Pathogenic.

Baylor Genetics
Classification: Pathogenic for Breast-ovarian cancer, familial, susceptibility to, 1. Last evaluated: 2024-03-28. Review status: criteria provided, single submitter. Criteria: ACMG Guidelines, 2015. Collection method: clinical testing. Allele origin: unknown.

GeneDx
Classification: Pathogenic. Last evaluated: 2022-04-06. Review status: criteria provided, single submitter. Criteria: GeneDx Variant Classification Process June 2021. Collection method: clinical testing. Allele origin: germline. Affected: yes.
Comment: Canonical splice site variant demonstrated to result in protein truncation or nonsense mediated decay in a gene for which loss of function is a known mechanism of disease (Claes 2003, Houdayer 2012); Observed in individuals with a personal and/or family history consistent with pathogenic variants in this gene (Gayther 1995, Wagner 1999, Claes 2003, Castera 2014, Lovejoy 2020); Not observed at significant frequency in large population cohorts (gnomAD); Also known as 5312+2del or IVS19+2del; This variant is associated with the following publications: (PMID: 10644434, 20104584, 12759930, 22505045, 33087929, 7493024, 24549055, 33302456)

Color Diagnostics, LLC DBA Color Health
Classification: Pathogenic for Hereditary cancer-predisposing syndrome. Last evaluated: 2022-03-14. Review status: criteria provided, single submitter. Criteria: ACMG Guidelines, 2015. Collection method: clinical testing. Allele origin: germline.
Comment: This variant causes a deletion of one nucleotide in intron 18 of the BRCA1 gene. This variant is also known as IVS19+2delT based on Breast Cancer Information Core (BIC) nomenclature, and has also been referenced as 5312+2delT in the literature. RNA studies have shown that this variant produces two mutant transcripts (PMID: 12759930, 22505045). One mutant transcript causes an in-frame skipping of exon 19, creating a partial deletion of 13 amino acid residues from the BRCT1 domain. The other mutant transcript causes an out-of-frame skipping of exons 18 and 19, creating a premature translation stop signal that is expected to result in an absent or non-functional protein product. This variant has been reported in individuals affected with breast and/or ovarian cancer (PMID: 7493024, 10644434, 12759930, 24549055, 33302456). This variant has not been identified in the general population by the Genome Aggregation Database (gnomAD). Loss of BRCA1 function is a known mechanism of disease. Based on the available evidence, this variant is classified as Pathogenic.

Laboratory for Molecular Medicine, Mass General Brigham Personalized Medicine
Classification: Pathogenic for Hereditary breast ovarian cancer syndrome. Last evaluated: 2019-10-14. Review status: criteria provided, single submitter. Criteria: ACMG Guidelines, 2015. Collection method: clinical testing. Allele origin: germline.
Comment: The c.5193+2delT variant in BRCA1 has been reported in at least 7 families with hereditary breast and/or ovarian cancer (HBOC) and segregated with disease in at least 3 affected individuals from 1 family (Wagner 1999, Claes 2003, Gayther 1995, BIC database). It was absent from large population studies. This variant has also been reported in ClinVar (Variation ID: 55450). This variant occurs within the canonical splice site (+/- 1,2) and is predicted to cause altered splicing leading to an abnormal or absent protein. In vitro functional studies on patient cells show that this variant leads to exon 19 skipping, leading to a premature stop codon (Houdayer 2012, Claes 2003). This is expected to lead to a truncated or absent protein and loss of function of the BRCA1 gene is an established disease mechanism in autosomal dominant HBOC. In summary, this variant meets criteria to be classified as pathogenic for autosomal dominant HBOC. ACMG/AMP Criteria applied: PVS1, PM2, PS3_Moderate, PS4_Moderate, PP1.

Department of Medical Genetics, Oslo University Hospital
Classification: Pathogenic for Breast-ovarian cancer, familial, susceptibility to, 1. Last evaluated: 2016-03-03. Review status: criteria provided, single submitter. Criteria: ACMG Guidelines, 2015. Collection method: clinical testing. Allele origin: germline. Affected: yes. Observed: 1 variant allele.

Consortium of Investigators of Modifiers of BRCA1/2 (CIMBA), c/o University of Cambridge
Classification: Pathogenic for Breast-ovarian cancer, familial, susceptibility to, 1. Last evaluated: 2015-10-02. Review status: criteria provided, single submitter. Criteria: CIMBA Mutation Classification guidelines May 2016. Collection method: clinical testing. Allele origin: germline.

Research Molecular Genetics Laboratory, Women's College Hospital, University of Toronto
Classification: Pathogenic for Hereditary breast ovarian cancer syndrome. Last evaluated: 2014-01-31. Review status: no assertion criteria provided. Collection method: research. Allele origin: germline. Affected: yes. Study: The Canadian Open Genetics Repository (COGR). Not counted in ClinVar's aggregate classification.

Sharing Clinical Reports Project (SCRP)
Classification: Pathogenic for Breast-ovarian cancer, familial 1. Last evaluated: 2012-05-01. Review status: no assertion criteria provided. Collection method: clinical testing. Allele origin: germline. Not counted in ClinVar's aggregate classification.

Breast Cancer Information Core (BIC) (BRCA1)
Classification: Pathogenic for Breast-ovarian cancer, familial 1. Last evaluated: 1999-12-30. Review status: no assertion criteria provided. Collection method: clinical testing. Allele origin: germline, unknown. Affected: yes. Observed: 4 variant alleles. Not counted in ClinVar's aggregate classification.

Literature cited by the submitters: PubMed 10644434 (cited by 5 submitters); PubMed 12759930 (cited by 5 submitters); PubMed 22505045 (cited by 5 submitters); PubMed 24549055 (cited by 4 submitters); PubMed 7493024 (cited by 5 submitters); PubMed 33302456 (cited by Quest Diagnostics Nichols Institute San Juan Capistrano and Color Diagnostics, LLC DBA Color Health).

NM_007294.4(BRCA1):c.5193+2del

Gene: BRCA1 (BRCA1 DNA repair associated; minus strand). Cytogenetic location: 17q21.31.
Variant type: Deletion.
Coding change: c.5193+2del on transcript NM_007294.4 (MANE Select); the canonical splice donor site of the intron after coding-DNA position 5193, one base deleted (T; older notation c.5193+2delT).
Molecular consequence: splice donor variant.
Genome position (GRCh38, 1-based): chr17:43,063,331, A deleted on the plus strand (T on the coding strand, the reverse complement: BRCA1 is on the minus strand). VCF-style (leftmost placement, unchanged base first): chr17-43063330-TA-T. GRCh37 (hg19) VCF-style: chr17-41215347-TA-T.
Other names: IVS19+2delT; c.5193+2delT (NM_007294.3); c.1740+2del (NM_001408458.1, NM_001408461.1, NM_001408465.1 and 7 more transcripts); c.4302+2del (NM_001407967.1); c.4812+2del (NM_001407959.1); c.4926+2del (NM_001407931.1, NM_001407933.1, NM_001407927.1 and 4 more transcripts); c.5049+2del (NM_001407747.1, NM_001407745.1, NM_001407737.1 and 21 more transcripts); c.4809+2del (NM_001407962.1, NM_001407960.1); and 74 more.
Identifiers: ClinVar variation 55450 (VCV000055450.26), dbSNP rs273901751, ClinGen allele CA003340.